The following is an entry in ClinVar:

NM_015450.3(POT1):c.514G>A (p.Ala172Thr)

Gene: POT1 (protection of telomeres 1; minus strand). Cytogenetic location: 7q31.33.
Variant type: single nucleotide variant.
Coding change: c.514G>A on transcript NM_015450.3 (MANE Select); coding-DNA position 514, G replaced by A.
Protein change: p.Ala172Thr; replaces alanine 172 with threonine.
Molecular consequence: missense variant. On other transcripts: non-coding transcript variant (3).
Genome position (GRCh38, 1-based): chr7:124,863,382, C>T on the plus strand (G>A on the coding strand, the complement: POT1 is on the minus strand). VCF-style: chr7-124863382-C-T. GRCh37 (hg19) VCF-style: chr7-124503436-C-T.
Other names: c.121G>A, p.Ala41Thr (NM_001042594.2); short protein forms A172T, A41T.
Identifiers: ClinVar variation 2429707 (VCV002429707.2), dbSNP rs2485479546, ClinGen allele CA369058773.

ClinVar aggregate classification (germline): Uncertain significance. Review status: criteria provided, multiple submitters, no conflicts (2 of 4 stars). 2 submissions from 2 submitters: Uncertain significance (2). Last evaluated 2026-06-24.

Conditions:
Hereditary cancer-predisposing syndrome. Also called: Hereditary Cancer Syndrome; Hereditary neoplastic syndrome; Neoplastic Syndromes, Hereditary; Tumor predisposition. Identifiers: Orphanet 140162, MedGen C0027672, MeSH D009386, MONDO:0015356.

Submissions (2):

Ambry Genetics
Classification: Uncertain significance for Hereditary cancer-predisposing syndrome. Last evaluated: 2026-06-24. Review status: criteria provided, single submitter. Criteria: Ambry Variant Classification Scheme 2023. Collection method: clinical testing. Allele origin: germline.
Comment: The p.A172T variant (also known as c.514G>A), located in coding exon 4 of the POT1 gene, results from a G to A substitution at nucleotide position 514. The alanine at codon 172 is replaced by threonine, an amino acid with similar properties. This amino acid position is conserved. In addition, this alteration is predicted to be tolerated by in silico analysis. Based on the available evidence, the clinical significance of this variant remains unclear.

GeneDx
Classification: Uncertain significance. Last evaluated: 2022-08-11. Review status: criteria provided, single submitter. Criteria: GeneDx Variant Classification Process June 2021. Collection method: clinical testing. Allele origin: germline. Affected: yes.
Comment: Not observed at significant frequency in large population cohorts (gnomAD); In silico analysis supports that this missense variant does not alter protein structure/function; Has not been previously published as pathogenic or benign to our knowledge; This variant is associated with the following publications: (PMID: 28393830)